The following is an entry in ClinVar:

NM_000051.4(ATM):c.5257T>C (p.Tyr1753His)

Gene: ATM (ATM serine/threonine kinase; plus strand). Cytogenetic location: 11q22.3.
Variant type: single nucleotide variant.
Coding change: c.5257T>C on transcript NM_000051.4 (MANE Select); coding-DNA position 5257, T replaced by C.
Protein change: p.Tyr1753His; replaces tyrosine 1753 with histidine.
Molecular consequence: missense variant.
Genome position (GRCh38, 1-based): chr11:108,301,727, T>C. VCF-style: chr11-108301727-T-C. GRCh37 (hg19) VCF-style: chr11-108172454-T-C.
Other names: c.5257T>C, p.Tyr1753His (NM_001351834.2); short protein forms Y1753H.
Identifiers: ClinVar variation 2774683 (VCV002774683.2), dbSNP rs2135913864, ClinGen allele CA382542513.
Genomic context (GRCh38, chr11:108,301,727, plus strand): 5'-GCTGTTACCTGTTTGAAAAACATTTTAGCCACAAAGACTGGACATAGTTTCTGGGAGATT[T>C]ATAAGATGACAACAGATCCAATGCTGGCCTATCTACAGCCTTTTAGAACATCAAGAAAAA-3'
Protein context (NP_000042.3, residues 1743-1763): TKTGHSFWEI[Tyr1753His]KMTTDPMLAY

ClinVar aggregate classification (germline): Uncertain significance (1 of 4 stars; one submission).

Conditions:
Hereditary cancer-predisposing syndrome. Also called: Neoplastic Syndromes, Hereditary; Tumor predisposition; Hereditary Cancer Syndrome; Hereditary neoplastic syndrome. Identifiers: Orphanet 140162, MedGen C0027672, MeSH D009386, MONDO:0015356.

Submission:

Color Diagnostics, LLC DBA Color Health
Classification: Uncertain significance for Hereditary cancer-predisposing syndrome. Last evaluated: 2024-03-07. Review status: criteria provided, single submitter. Criteria: ACMG Guidelines, 2015. Collection method: clinical testing. Allele origin: germline.
Comment: This missense variant replaces tyrosine with histidine at codon 1753 of the ATM protein. Computational prediction suggests that this variant may not impact protein structure and function (internally defined REVEL score threshold <= 0.5, PMID: 27666373). To our knowledge, functional studies have not been reported for this variant. This variant has not been reported in individuals affected with hereditary cancer in the literature. This variant has not been identified in the general population by the Genome Aggregation Database (gnomAD). The available evidence is insufficient to determine the role of this variant in disease conclusively. Therefore, this variant is classified as a Variant of Uncertain Significance.